The following is an entry in ClinVar:

NM_001111125.3(IQSEC2):c.4293C>T (p.Ile1431=)

Gene: IQSEC2 (IQ motif and Sec7 domain ArfGEF 2; minus strand). Cytogenetic location: Xp11.22.
Variant type: single nucleotide variant.
Coding change: c.4293C>T on transcript NM_001111125.3 (MANE Select); coding-DNA position 4293, C replaced by T.
Protein change: p.Ile1431=; no amino-acid change (isoleucine 1431 retained).
Molecular consequence: synonymous variant. On other transcripts: 3 prime UTR variant (1).
Genome position (GRCh38, 1-based): chrX:53,234,393, G>A on the plus strand (C>T on the coding strand, the complement: IQSEC2 is on the minus strand). VCF-style: chrX-53234393-G-A. GRCh37 (hg19) VCF-style: chrX-53263575-G-A.
Other names: c.*778C>T (NM_015075.2).
Identifiers: ClinVar variation 194482 (VCV000194482.62), dbSNP rs782536136, ClinGen allele CA240477.

ClinVar aggregate classification (germline): Conflicting classifications of pathogenicity. Review status: criteria provided, conflicting classifications (1 of 4 stars). 7 submissions from 7 submitters: Uncertain significance (1); Likely benign (6). Last evaluated 2025-12-02.

Conditions:
IQSEC2-related disorder. Also called: IQSEC2-related condition.
Inborn genetic diseases. Identifiers: MedGen C0950123, MeSH D030342.
Intellectual developmental disorder, X-linked 1. Also called: MENTAL RETARDATION, X-LINKED 18; MENTAL RETARDATION, X-LINKED 78; Intellectual disability, X-linked 1; Atkin Flaitz Patil Smith syndrome. Identifiers: Orphanet 777, MedGen C2931498, MONDO:0010656, OMIM 309530.

Allele frequency attached by ClinVar (database versions not stated): gnomAD 0.00009 and 0.00015; gnomAD exomes 0.00037; ExAC 0.00069.

Submissions (7):

Labcorp Genetics (formerly Invitae), Labcorp
Classification: Likely benign for Intellectual developmental disorder, X-linked 1. Last evaluated: 2025-12-02. Review status: criteria provided, single submitter. Criteria: Invitae Variant Classification Sherloc (09022015). Collection method: clinical testing. Allele origin: germline.

CeGaT Center for Human Genetics Tuebingen
Classification: Likely benign. Last evaluated: 2025-10-01. Review status: criteria provided, single submitter. Criteria: CeGaT Center For Human Genetics Tuebingen Variant Classification Criteria Version 2. Collection method: clinical testing. Allele origin: germline. Affected: yes. Observed: 6 variant alleles.
Comment: IQSEC2: BP4, BP7

PreventionGenetics, part of Exact Sciences
Classification: Likely benign for IQSEC2-related condition. Last evaluated: 2025-07-10. Review status: criteria provided, single submitter. Criteria: ACMG Guidelines, 2015. Collection method: clinical testing. Allele origin: germline.
Comment: This variant is classified as likely benign based on ACMG/AMP sequence variant interpretation guidelines (Richards et al. 2015 PMID: 25741868, with internal and published modifications).

Blueprint Genetics
Classification: Likely benign. Last evaluated: 2024-08-30. Review status: criteria provided, single submitter. Criteria: ACMG Guidelines, 2015. Collection method: clinical testing. Allele origin: germline.

GeneDx
Classification: Likely benign. Last evaluated: 2020-12-01. Review status: criteria provided, single submitter. Criteria: GeneDx Variant Classification Process June 2021. Collection method: clinical testing. Allele origin: germline. Affected: yes.

Ambry Genetics
Classification: Likely benign for Inborn genetic diseases. Last evaluated: 2017-07-24. Review status: criteria provided, single submitter. Criteria: Ambry Variant Classification Scheme 2023. Collection method: clinical testing. Allele origin: germline.

Eurofins Ntd Llc (ga)
Classification: Uncertain significance. Last evaluated: 2015-02-16. Review status: criteria provided, single submitter. Criteria: EGL Classification Definitions 2015. Collection method: clinical testing. Allele origin: germline. Observed: 1 variant allele, 1 heterozygote.